The following is an entry in ClinVar:

ClinVar aggregate classification (germline): Uncertain significance (1 of 4 stars; one submission).

gnomAD v4.1: 6 of 1,613,804 alleles (0.00037%); highest among the groups gnomAD compares: East Asian, 0.0022%; no homozygotes.

Submission:

GeneDx
Classification: Uncertain significance. Last evaluated: 2025-07-24. Review status: criteria provided, single submitter. Criteria: GeneDx Variant Classification Process June 2021. Collection method: clinical testing. Allele origin: germline. Affected: yes.
Comment: Not observed at significant frequency in large population cohorts (gnomAD); In silico analysis suggests that this variant does not alter splicing; Has not been previously published as pathogenic or benign to our knowledge

NM_001145809.2(MYH14):c.5947A>C (p.Arg1983=)

Gene: MYH14 (myosin heavy chain 14; plus strand). Cytogenetic location: 19q13.33.
Variant type: single nucleotide variant.
Coding change: c.5947A>C on transcript NM_001145809.2 (MANE Select); coding-DNA position 5947, A replaced by C.
Protein change: p.Arg1983=; no amino-acid change (arginine 1983 retained).
Molecular consequence: synonymous variant.
Genome position (GRCh38, 1-based): chr19:50,309,164, A>C. VCF-style: chr19-50309164-A-C. GRCh37 (hg19) VCF-style: chr19-50812421-A-C.
Other names: c.5848A>C, p.Arg1950= (NM_001077186.2); c.5824A>C, p.Arg1942= (NM_024729.4).
Identifiers: ClinVar variation 4686959 (VCV004686959.1).
Genomic context (GRCh38, chr19:50,309,164, plus strand): 5'-CGTGAGCTGGAAGATGTCACAGAGTCGGCCGAGTCCATGAACCGTGAAGTGACCACACTG[A>C]GGAACCGGCTTCGGTATGGTCATCCCACGTACAGGCCTGACGGGTGGGGAGCACCCTAAC-3'
Protein context (NP_001139281.1, residues 1973-1993): ESMNREVTTL[Arg1983=]NRLRRGPLTF